The following is an entry in ClinVar:

NM_001366385.1(CARD14):c.1824dup (p.Arg610fs)

Gene: CARD14 (caspase recruitment domain family member 14; plus strand). Cytogenetic location: 17q25.3.
Variant type: Duplication.
Coding change: c.1824dup on transcript NM_001366385.1 (MANE Select); coding-DNA position 1824, one base duplicated (C; older notation c.1824dupC).
Protein change: p.Arg610fs; shifts the reading frame from arginine 610.
Molecular consequence: frameshift variant. On other transcripts: non-coding transcript variant (1).
Genome position (GRCh38, 1-based): chr17:80,198,564, C duplicated; the last of 2 consecutive C bases (chr17:80,198,563-80,198,564); duplicating either gives the same sequence. VCF-style (leftmost placement, unchanged base first): chr17-80198562-G-GC. GRCh37 (hg19) VCF-style: chr17-78172361-G-GC.
Other names: c.1824dup, p.Arg610fs (NM_001257970.1, NM_024110.4); c.1113dup, p.Arg373fs (NM_052819.3); short protein forms R373fs, R610fs.
Identifiers: ClinVar variation 4527908 (VCV004527908.1).
Genomic context (GRCh38, chr17:80,198,562, plus strand): 5'-GGGAACCTCACGGGCATCTTCATCCACCGGGTCACCCCGGGCTCGGCGGCGGACCAGATG[G>GC]CCTTGCGCCCGGGCACCCAGATTGTGATGGTGAGCCGTGCGAGGCCCCTCCTGTCCCCCG-3'

ClinVar aggregate classification (germline): Uncertain significance (1 of 4 stars; one submission).

Submission:

GeneDx
Classification: Uncertain significance. Last evaluated: 2025-05-01. Review status: criteria provided, single submitter. Criteria: GeneDx Variant Classification Process June 2021. Collection method: clinical testing. Allele origin: germline. Affected: yes.
Comment: Not observed at significant frequency in large population cohorts (gnomAD); Frameshift variant predicted to result in protein truncation or nonsense mediated decay in a gene for which loss-of-function is not an established mechanism of disease; Has not been previously published as pathogenic or benign to our knowledge